The following is an entry in ClinVar:

NM_001273.5(CHD4):c.1912G>A (p.Val638Ile)

Gene: CHD4 (chromodomain helicase DNA binding protein 4; minus strand). Cytogenetic location: 12p13.31.
Variant type: single nucleotide variant.
Coding change: c.1912G>A on transcript NM_001273.5 (MANE Select); coding-DNA position 1912, G replaced by A.
Protein change: p.Val638Ile; replaces valine 638 with isoleucine.
Molecular consequence: missense variant.
Genome position (GRCh38, 1-based): chr12:6,596,118, C>T on the plus strand (G>A on the coding strand, the complement: CHD4 is on the minus strand). VCF-style: chr12-6596118-C-T. GRCh37 (hg19) VCF-style: chr12-6705284-C-T.
Other names: c.1912G>A (NM_001273.2); c.1891G>A, p.Val631Ile (NM_001297553.2); c.1873G>A, p.Val625Ile (NM_001363606.2); short protein forms V638I, V631I, V625I.
Identifiers: ClinVar variation 1466337 (VCV001466337.9), dbSNP rs746008542, ClinGen allele CA6412111.

ClinVar aggregate classification (germline): Uncertain significance. Review status: criteria provided, multiple submitters, no conflicts (2 of 4 stars). 2 submissions from 2 submitters: Uncertain significance (2). Last evaluated 2025-05-19.

Conditions:
Inborn genetic diseases. Identifiers: MedGen C0950123, MeSH D030342.

Allele frequency attached by ClinVar (database versions not stated): ExAC 0.00001; gnomAD exomes 0.00001.
gnomAD v4.1: 15 of 1,613,906 alleles (0.00093%); highest among the groups gnomAD compares: East Asian, 0.0045%; no homozygotes.

Submissions (2):

Ambry Genetics
Classification: Uncertain significance for Inborn genetic diseases. Last evaluated: 2025-05-19. Review status: criteria provided, single submitter. Criteria: Ambry Variant Classification Scheme 2023. Collection method: clinical testing. Allele origin: germline.

Labcorp Genetics (formerly Invitae), Labcorp
Classification: Uncertain significance. Last evaluated: 2021-07-04. Review status: criteria provided, single submitter. Criteria: Invitae Variant Classification Sherloc (09022015). Collection method: clinical testing. Allele origin: germline.
Comment: This variant has not been reported in the literature in individuals affected with CHD4-related conditions. Algorithms developed to predict the effect of missense changes on protein structure and function (SIFT, PolyPhen-2, Align-GVGD) all suggest that this variant is likely to be disruptive. In summary, the available evidence is currently insufficient to determine the role of this variant in disease. Therefore, it has been classified as a Variant of Uncertain Significance. This sequence change replaces valine with isoleucine at codon 638 of the CHD4 protein (p.Val638Ile). The valine residue is highly conserved and there is a small physicochemical difference between valine and isoleucine. The frequency data for this variant in the population databases is considered unreliable, as metrics indicate poor data quality at this position in the ExAC database.